The following is an entry in ClinVar:

NM_031935.3(HMCN1):c.*768G>T

Gene: HMCN1 (hemicentin 1; plus strand). Cytogenetic location: 1q31.1.
Variant type: single nucleotide variant.
Coding change: c.*768G>T on transcript NM_031935.3 (MANE Select); 768 bases downstream of the stop codon, G replaced by T.
Molecular consequence: 3 prime UTR variant.
Genome position (GRCh38, 1-based): chr1:186,190,646, G>T. VCF-style: chr1-186190646-G-T. GRCh37 (hg19) VCF-style: chr1-186159778-G-T.
Identifiers: ClinVar variation 294324 (VCV000294324.5), dbSNP rs560234419, ClinGen allele CA10609180.

ClinVar aggregate classification (germline): Likely benign (1 of 4 stars; one submission).

Conditions:
Age related macular degeneration 1 (ARMD1). Also called: MACULOPATHY, AGE-RELATED, 1. Identifiers: MedGen C1864205, MONDO:0011285, OMIM 603075.

Allele frequency attached by ClinVar (database versions not stated): TOPMed 0.00001; gnomAD below 0.00001 and 0.00007; 1000 Genomes Project 0.00060; 1000 Genomes Project 30x 0.00062.

Submission:

Illumina Laboratory Services, Illumina
Classification: Likely benign for Age related macular degeneration 1. Last evaluated: 2018-01-13. Review status: criteria provided, single submitter. Criteria: ICSL Variant Classification Criteria 13 December 2019. Collection method: clinical testing. Allele origin: germline.
Comment: This variant was observed in the ICSL laboratory as part of a predisposition screen in an ostensibly healthy population. It had not been previously curated by ICSL or reported in the Human Gene Mutation Database (HGMD: prior to June 1st, 2018), and was therefore a candidate for classification through an automated scoring system. Utilizing variant allele frequency, disease prevalence and penetrance estimates, and inheritance mode, an automated score was calculated to assess if this variant is too frequent to cause the disease. Based on the score and internal cut-off values, a variant classified as likely benign is not then subjected to further curation. The score for this variant resulted in a classification of likely benign for this disease.